The following is an entry in ClinVar:

ClinVar aggregate classification (germline): Uncertain significance (1 of 4 stars; one submission).

gnomAD v4.1: 7 of 1,608,570 alleles (0.00044%); highest among the groups gnomAD compares: African/African-American, 0.008%; no homozygotes.

Submission:

Labcorp Genetics (formerly Invitae), Labcorp
Classification: Uncertain significance. Last evaluated: 2025-06-12. Review status: criteria provided, single submitter. Criteria: Invitae Variant Classification Sherloc (09022015). Collection method: clinical testing. Allele origin: germline.
Comment: This sequence change replaces proline, which is neutral and non-polar, with leucine, which is neutral and non-polar, at codon 1483 of the ROBO1 protein (p.Pro1483Leu). This variant is present in population databases (rs764287408, gnomAD 0.01%). This variant has not been reported in the literature in individuals affected with ROBO1-related conditions. An algorithm developed to predict the effect of missense changes on protein structure and function (PolyPhen-2) suggests that this variant is likely to be disruptive. In summary, the available evidence is currently insufficient to determine the role of this variant in disease. Therefore, it has been classified as a Variant of Uncertain Significance.

NM_002941.4(ROBO1):c.4448C>T (p.Pro1483Leu)

Gene: ROBO1 (roundabout guidance receptor 1; minus strand). Cytogenetic location: 3p12.3.
Variant type: single nucleotide variant.
Coding change: c.4448C>T on transcript NM_002941.4 (MANE Select); coding-DNA position 4448, C replaced by T.
Protein change: p.Pro1483Leu; replaces proline 1483 with leucine.
Molecular consequence: missense variant.
Genome position (GRCh38, 1-based): chr3:78,607,029, G>A on the plus strand (C>T on the coding strand, the complement: ROBO1 is on the minus strand). VCF-style: chr3-78607029-G-A. GRCh37 (hg19) VCF-style: chr3-78656179-G-A.
Other names: c.4148C>T, p.Pro1383Leu (NM_001145845.2); c.4313C>T, p.Pro1438Leu (NM_133631.4); short protein forms P1383L, P1483L, P1438L.
Identifiers: ClinVar variation 4703047 (VCV004703047.1).